The following is an entry in ClinVar:

NM_020207.7(ERCC6L2):c.1855A>G (p.Arg619Gly)

Gene: ERCC6L2 (ERCC excision repair 6 like 2; plus strand). Cytogenetic location: 9q22.32.
Variant type: single nucleotide variant.
Coding change: c.1855A>G on transcript NM_020207.7 (MANE Select); coding-DNA position 1855, A replaced by G.
Protein change: p.Arg619Gly; replaces arginine 619 with glycine.
Molecular consequence: missense variant. On other transcripts: non-coding transcript variant (1).
Genome position (GRCh38, 1-based): chr9:95,955,921, A>G. VCF-style: chr9-95955921-A-G. GRCh37 (hg19) VCF-style: chr9-98718203-A-G.
Other names: c.1855A>G, p.Arg619Gly (NM_001010895.4, NM_001375291.1, NM_001375292.1 and 2 more transcripts); short protein forms R619G.
Identifiers: ClinVar variation 2750550 (VCV002750550.3), dbSNP rs1157481604, ClinGen allele CA374120406.

ClinVar aggregate classification (germline): Uncertain significance (1 of 4 stars; one submission).

gnomAD v4.1: 6 of 1,588,338 alleles (0.00038%); highest among the groups gnomAD compares: Non-Finnish European, 0.00051%; no homozygotes.

Submission:

Labcorp Genetics (formerly Invitae), Labcorp
Classification: Uncertain significance. Last evaluated: 2024-01-11. Review status: criteria provided, single submitter. Criteria: Invitae Variant Classification Sherloc (09022015). Collection method: clinical testing. Allele origin: germline.
Comment: This sequence change replaces arginine, which is basic and polar, with glycine, which is neutral and non-polar, at codon 630 of the ERCC6L2 protein (p.Arg630Gly). This variant is not present in population databases (gnomAD no frequency). This variant has not been reported in the literature in individuals affected with ERCC6L2-related conditions. Experimental studies and prediction algorithms are not available or were not evaluated, and the functional significance of this variant is currently unknown. In summary, the available evidence is currently insufficient to determine the role of this variant in disease. Therefore, it has been classified as a Variant of Uncertain Significance.